The following is an entry in ClinVar:

ClinVar aggregate classification (germline): Uncertain significance (1 of 4 stars; one submission).

Conditions:
Lysinuric protein intolerance (LPI). Identifiers: Orphanet 470, MedGen C0268647, MONDO:0009109, OMIM 222700.

Allele frequency attached by ClinVar (database versions not stated): gnomAD exomes below 0.00001.
gnomAD v4.1: 3 of 1,614,078 alleles (0.00019%); highest among the groups gnomAD compares: Non-Finnish European, 0.00025%; no homozygotes.

Submission:

Labcorp Genetics (formerly Invitae), Labcorp
Classification: Uncertain significance for Lysinuric protein intolerance. Last evaluated: 2020-07-15. Review status: criteria provided, single submitter. Criteria: Invitae Variant Classification Sherloc (09022015). Collection method: clinical testing. Allele origin: germline.
Comment: In summary, the available evidence is currently insufficient to determine the role of this variant in disease. Therefore, it has been classified as a Variant of Uncertain Significance. Nucleotide substitutions within the consensus splice site are a relatively common cause of aberrant splicing (PMID: 17576681, 9536098). Algorithms developed to predict the effect of sequence changes on RNA splicing suggest that this variant is not likely to affect RNA splicing, but this prediction has not been confirmed by published transcriptional studies. This variant has not been reported in the literature in individuals with SLC7A7-related conditions. This variant is not present in population databases (ExAC no frequency). This sequence change falls in intron 9 of the SLC7A7 gene. It does not directly change the encoded amino acid sequence of the SLC7A7 protein, but it affects a nucleotide within the consensus splice site of the intron.

Literature cited by the submitters: PubMed 17576681; PubMed 9536098.

NM_003982.4(SLC7A7):c.1245+6G>A

Gene: SLC7A7 (solute carrier family 7 member 7; minus strand). Cytogenetic location: 14q11.2.
Variant type: single nucleotide variant.
Coding change: c.1245+6G>A on transcript NM_003982.4 (MANE Select); 6 bases into the intron after coding-DNA position 1245, G replaced by A.
Molecular consequence: intron variant.
Genome position (GRCh38, 1-based): chr14:22,774,348, C>T on the plus strand (G>A on the coding strand, the complement: SLC7A7 is on the minus strand). VCF-style: chr14-22774348-C-T. GRCh37 (hg19) VCF-style: chr14-23243557-C-T.
Other names: c.1245+6G>A (NM_001126106.4, NM_001126105.3).
Identifiers: ClinVar variation 1062589 (VCV001062589.9), dbSNP rs2139384181, ClinGen allele CA2499222563.